The following is an entry in ClinVar:

ClinVar aggregate classification (germline): Uncertain significance. Review status: criteria provided, multiple submitters, no conflicts (2 of 4 stars). 2 submissions from 2 submitters: Uncertain significance (2). Last evaluated 2025-12-16.

gnomAD v4.1: 8 of 1,614,036 alleles (0.0005%); highest among the groups gnomAD compares: Admixed American, 0.012%; no homozygotes.

Submissions (2):

Ambry Genetics
Classification: Uncertain significance. Last evaluated: 2025-12-16. Review status: criteria provided, single submitter. Criteria: Ambry Variant Classification Scheme 2023. Collection method: clinical testing. Allele origin: germline.

Labcorp Genetics (formerly Invitae), Labcorp
Classification: Uncertain significance. Last evaluated: 2024-10-15. Review status: criteria provided, single submitter. Criteria: Invitae Variant Classification Sherloc (09022015). Collection method: clinical testing. Allele origin: germline.
Comment: This sequence change replaces valine, which is neutral and non-polar, with methionine, which is neutral and non-polar, at codon 328 of the KIAA1161 protein (p.Val328Met). This variant is present in population databases (rs780295808, gnomAD 0.01%). This variant has not been reported in the literature in individuals affected with KIAA1161-related conditions. Experimental studies and prediction algorithms are not available or were not evaluated, and the functional significance of this variant is currently unknown. In summary, the available evidence is currently insufficient to determine the role of this variant in disease. Therefore, it has been classified as a Variant of Uncertain Significance.

NM_020702.5(MYORG):c.982G>A (p.Val328Met)

Gene: MYORG (myogenesis regulating glycosidase; minus strand). Cytogenetic location: 9p13.3.
Variant type: single nucleotide variant.
Coding change: c.982G>A on transcript NM_020702.5 (MANE Select); coding-DNA position 982, G replaced by A.
Protein change: p.Val328Met; replaces valine 328 with methionine.
Molecular consequence: missense variant.
Genome position (GRCh38, 1-based): chr9:34,371,962, C>T on the plus strand (G>A on the coding strand, the complement: MYORG is on the minus strand). VCF-style: chr9-34371962-C-T. GRCh37 (hg19) VCF-style: chr9-34371960-C-T.
Other names: c.982G>A (NM_020702.3); short protein forms V328M.
Identifiers: ClinVar variation 3616396 (VCV003616396.3).
Genomic context (GRCh38, chr9:34,371,962, plus strand): 5'-TGCTGTTGAAGTGGTGCAGGCGGATCTGTTGGGCAAAACGCAGCACCTTGTCCTGGTCCA[C>T]GGCGCGCCCGTACAGCGCCCATGTGGACCAAATGGGGTCTCGGAAGGCCTCGGGTGCTGG-3'
Protein context (NP_065753.2, residues 318-338): WSTWALYGRA[Val328Met]DQDKVLRFAQ